The following is an entry in ClinVar:

ClinVar aggregate classification (germline): Uncertain significance (1 of 4 stars; one submission).

gnomAD v4.1: 2 of 1,613,994 alleles (0.00012%); highest among the groups gnomAD compares: Non-Finnish European, 0.00017%; no homozygotes.

Submission:

GeneDx
Classification: Uncertain significance. Last evaluated: 2025-03-19. Review status: criteria provided, single submitter. Criteria: GeneDx Variant Classification Process June 2021. Collection method: clinical testing. Allele origin: germline. Affected: yes.
Comment: Not observed at significant frequency in large population cohorts (gnomAD); In silico analysis supports that this missense variant has a deleterious effect on protein structure/function; Has not been previously published as pathogenic or benign to our knowledge

NM_004818.3(DDX23):c.310A>G (p.Lys104Glu)

Gene: DDX23 (DEAD-box helicase 23; minus strand). Cytogenetic location: 12q13.12.
Variant type: single nucleotide variant.
Coding change: c.310A>G on transcript NM_004818.3 (MANE Select); coding-DNA position 310, A replaced by G.
Protein change: p.Lys104Glu; replaces lysine 104 with glutamic acid.
Molecular consequence: missense variant.
Genome position (GRCh38, 1-based): chr12:48,843,950, T>C on the plus strand (A>G on the coding strand, the complement: DDX23 is on the minus strand). VCF-style: chr12-48843950-T-C. GRCh37 (hg19) VCF-style: chr12-49237733-T-C.
Other names: short protein forms K104E.
Identifiers: ClinVar variation 4086286 (VCV004086286.1).